The following is an entry in ClinVar:

NM_007294.4(BRCA1):c.3328_3330del (p.Lys1110del)

Genes: BRCA1 (BRCA1 DNA repair associated; minus strand), LOC126862571 (BRD4-independent group 4 enhancer GRCh37_chr17:41243136-41244335; plus strand). Cytogenetic location: 17q21.31.
Variant type: Deletion.
Coding change: c.3328_3330del on transcript NM_007294.4 (MANE Select); coding-DNA positions 3328 to 3330, 3 bases deleted (AAG; older notation c.3328_3330delAAG).
Protein change: p.Lys1110del; deletes lysine 1110.
Molecular consequence: inframe deletion. On other transcripts: intron variant (137).
Genome position (GRCh38, 1-based): chr17:43,092,201-43,092,203, CTT deleted on the plus strand (AAG on the coding strand, the reverse complement: BRCA1 is on the minus strand). VCF-style (leftmost placement, unchanged base first): chr17-43092200-GCTT-G. GRCh37 (hg19) VCF-style: chr17-41244217-GCTT-G.
Other names: NP_009225.1:p.Lys1110del; 3447del3; c.3328_3330delAAG (NM_007300.3, NM_007294.4); c.3115_3117del, p.Lys1039del (NM_001407571.1, NM_001407853.1, NM_001407894.1 and 9 more transcripts); c.3328_3330del, p.Lys1110del (NM_001407581.1, NM_001407582.1, NM_001407583.1 and 30 more transcripts); c.3325_3327del, p.Lys1109del (NM_001407587.1, NM_001407590.1, NM_001407591.1 and 22 more transcripts); c.3319_3321del, p.Lys1107del (NM_001407646.1, NM_001407647.1); c.3205_3207del, p.Lys1069del (NM_001407648.1, NM_001407664.1, NM_001407665.1 and 19 more transcripts); and 44 more; short protein forms K1110del, K1063del, K1039del, K1040del, K1042del, K1107del, K999del, K1021del.
Identifiers: ClinVar variation 54840 (VCV000054840.71), dbSNP rs80358335, ClinGen allele CA002148.
Genomic context (GRCh38, chr17:43,092,200, plus strand): 5'-CTGAAATCAGATATGGAGAGAAATCTGTATTAACAGTCTGAACTACTTCTTCATATTCTT[GCTT>G]TTTTATTTCAGGATGCTTACAATTACTTCCAGGAAGACTTTGTTTATAGACCTCAGGTTG-3'

ClinVar aggregate classification (germline): Conflicting classifications of pathogenicity. Review status: criteria provided, conflicting classifications (1 of 4 stars). 22 submissions from 22 submitters: Uncertain significance (5); Benign (3); Likely benign (7). 7 of the submissions do not count toward it. Last evaluated 2026-02-02.

Conditions:
Breast and/or ovarian cancer. Identifiers: MedGen CN221562.
Hereditary cancer-predisposing syndrome. Also called: Hereditary Cancer Syndrome; Tumor predisposition; Neoplastic Syndromes, Hereditary; Hereditary neoplastic syndrome. Identifiers: Orphanet 140162, MedGen C0027672, MeSH D009386, MONDO:0015356.
Hereditary breast ovarian cancer syndrome. Also called: Breast and ovarian cancer; BRCA1- and BRCA2-Associated Hereditary Breast and Ovarian Cancer; Hereditary breast and ovarian cancer; Hereditary breast and ovarian cancer syndrome (HBOC); Hereditary breast and ovarian cancer syndrome; Hereditary breast and/or ovarian cancer syndrome. Identifiers: Orphanet 145, MedGen C0677776, MeSH D061325, MONDO:0003582. Disease mechanism: loss of function.
Breast-ovarian cancer, familial, susceptibility to, 1 (BROVCA1). Also called: BRCA1 Hereditary Breast and Ovarian Cancer; OVARIAN CANCER, SUSCEPTIBILITY TO. Identifiers: Orphanet 145, MedGen C2676676, MONDO:0011450, OMIM 604370. Disease mechanism: loss of function.

Allele frequency attached by ClinVar (database versions not stated): gnomAD below 0.00001 and 0.00005; TOPMed 0.00001; gnomAD exomes 0.00040 and 0.00018; ExAC 0.00045.

Submissions 1 to 16 of 22:

Women's Health and Genetics/Laboratory Corporation of America, LabCorp
Classification: Likely benign. Last evaluated: 2026-02-02. Review status: criteria provided, single submitter. Criteria: LabCorp Variant Classification Summary - May 2015. Collection method: clinical testing. Allele origin: germline.
Comment: Variant summary: BRCA1 c.3328_3330delAAG (p.Lys1110del) results in an in-frame deletion that is predicted to remove one amino acid from the encoded protein. The variant allele was found at a frequency of 0.00039 in 250772 control chromosomes, predominantly at a frequency of 0.0032 within the South Asian subpopulation in the gnomAD database, including 1 homozygotes. The observed variant frequency within South Asian control individuals in the gnomAD database is approximately 3.2 fold of the estimated maximal expected allele frequency for a pathogenic variant in BRCA1 causing Hereditary Breast And Ovarian Cancer Syndrome phenotype (0.001). c.3328_3330delAAG has been reported in the literature in individuals affected with breast and/or ovarian cancer without strong evidence for causality (e.g. Judkins_2005, Ahman_2012, Gleicher_2014, Mehta_2018, de Oliveira_2022, Hovland_2022), and was additionally found in an unaffected individual in the literature (Mannan_2016). Experimental evidence including an HDR assay evaluating impact on protein function showed no damaging effect of this variant (Bouwman_2013, Bouwman_2020). The following publications have been ascertained in the context of this evaluation (PMID: 16267036, 23867111, 19370767, 22486713, 25036526, 26911350, 28263838, 29785135, 32546644, 30555256, 35534704, 34981296). ClinVar contains an entry for this variant (Variation ID: 54840). Based on the evidence outlined above, the variant was classified as likely benign.

Labcorp Genetics (formerly Invitae), Labcorp
Classification: Benign for Hereditary breast ovarian cancer syndrome. Last evaluated: 2026-01-30. Review status: criteria provided, single submitter. Criteria: Invitae Variant Classification Sherloc (09022015). Collection method: clinical testing. Allele origin: germline.

Mayo Clinic Laboratories, Mayo Clinic
Classification: Benign. Last evaluated: 2025-03-17. Review status: criteria provided, single submitter. Criteria: ACMG Guidelines, 2015. Collection method: clinical testing. Allele origin: germline. Observed: 1 variant allele.
Comment: BS1, BS3_supporting, BP1_strong

CeGaT Center for Human Genetics Tuebingen
Classification: Likely benign. Last evaluated: 2023-10-01. Review status: criteria provided, single submitter. Criteria: CeGaT Center For Human Genetics Tuebingen Variant Classification Criteria Version 2. Collection method: clinical testing. Allele origin: germline. Affected: yes. Observed: 1 variant allele.
Comment: BRCA1: PM4:Supporting, BS3:Supporting, BS2

GeneDx
Classification: Likely benign. Last evaluated: 2022-07-29. Review status: criteria provided, single submitter. Criteria: GeneDx Variant Classification Process June 2021. Collection method: clinical testing. Allele origin: germline. Affected: yes.
Comment: See Variant Classification Assertion Criteria.

National Health Laboratory Service, Universitas Academic Hospital and University of the Free State
Classification: Uncertain significance for Hereditary breast ovarian cancer syndrome. Last evaluated: 2022-04-19. Review status: criteria provided, single submitter. Criteria: ACMG Guidelines, 2015. Collection method: clinical testing. Allele origin: germline. Affected: yes. Observed: 1 variant allele.

Sema4
Classification: Likely benign for Hereditary cancer-predisposing syndrome. Last evaluated: 2022-03-11. Review status: criteria provided, single submitter. Criteria: Sema4 Curation Guidelines. Collection method: curation. Allele origin: germline.

Revvity Omics, Revvity
Classification: Uncertain significance. Last evaluated: 2021-02-09. Review status: criteria provided, single submitter. Criteria: ACMG Guidelines, 2015. Collection method: clinical testing. Allele origin: germline.

ARUP Laboratories, Molecular Genetics and Genomics, ARUP Laboratories
Classification: Uncertain significance. Last evaluated: 2019-11-05. Review status: criteria provided, single submitter. Criteria: ARUP Molecular Germline Variant Investigation Process. Collection method: clinical testing. Allele origin: germline.
Comment: The BRCA1 c.3328_3330delAAG; p.Lys1110del variant (rs80358335) is reported in the literature in individuals with breast and/or ovarian cancer (Ahmad 2012, Mannan 2016, Mehta 2018), and is reported in ClinVar (Variation ID: 54840). This variant is found in the South Asian population with an allele frequency of 0.3% (99/30598 alleles, including 1 homozygote) in the Genome Aggregation Database. The lysine at codon 1110 is not highly conserved and does not occur in a known functional domain. Additionally, at least one functional study shows this variant is able to complement the growth defect of BRCA1 null cells, suggesting the variant does not impair BRCA1 function (Bouwman 2013). However, due to limited information, the clinical significance of this variant is uncertain at this time. REFERENCES Ahmad J et al. Detection of BRCA1/2 mutations in breast cancer patients from Thailand and Pakistan. Clin Genet. 2012 Dec;82(6):594-8. Bouwman P et al. A high-throughput functional complementation assay for classification of BRCA1 missense variants. Cancer Discov. 2013 Oct;3(10):1142-55. Mannan AU et al. Detection of high frequency of mutations in a breast and/or ovarian cancer cohort: implications of embracing a multi-gene panel in molecular diagnosis in India. J Hum Genet. 2016 Jun;61(6):515-22. Mehta A et al. Germline BRCA1 and BRCA2 deleterious mutations and variants of unknown clinical significance associated with breast/ovarian cancer: a report from North India. Cancer Manag Res. 2018 Nov 30;10:6505-6516.

Ambry Genetics
Classification: Likely benign for Hereditary cancer-predisposing syndrome. Last evaluated: 2019-03-30. Review status: criteria provided, single submitter. Criteria: Ambry Variant Classification Scheme 2023. Collection method: clinical testing. Allele origin: germline.

Quest Diagnostics Nichols Institute San Juan Capistrano
Classification: Benign. Last evaluated: 2019-01-14. Review status: criteria provided, single submitter. Criteria: Quest Diagnostics criteria. Collection method: clinical testing. Allele origin: germline.

CHEO Genetics Diagnostic Laboratory, Children's Hospital of Eastern Ontario
Classification: Likely benign for Breast and/or ovarian cancer. Last evaluated: 2018-07-24. Review status: criteria provided, single submitter. Criteria: ACMG Guidelines, 2015. Collection method: clinical testing. Allele origin: germline.

Clinical Genetics DNA and cytogenetics Diagnostics Lab, Erasmus MC, Erasmus Medical Center
Classification: Uncertain significance for Breast-ovarian cancer, familial, susceptibility to, 1. Last evaluated: 2015-09-21. Review status: criteria provided, single submitter. Criteria: ACGS Guidelines, 2013. Collection method: clinical testing. Allele origin: germline. Affected: yes. Study: VKGL Data-share Consensus.

Color Diagnostics, LLC DBA Color Health
Classification: Likely benign for Hereditary cancer-predisposing syndrome. Last evaluated: 2015-06-01. Review status: criteria provided, single submitter. Criteria: ACMG Guidelines, 2015. Collection method: clinical testing. Allele origin: germline.

Molecular Endocrinology Laboratory, Christian Medical College
Classification: Uncertain significance for Breast-ovarian cancer, familial, susceptibility to, 1. Review status: criteria provided, single submitter. Criteria: ACMG Guidelines, 2015. Collection method: clinical testing. Allele origin: germline. Affected: yes.

KCCC/NGS Laboratory, Kuwait Cancer Control Center
Classification: Uncertain significance for Breast-ovarian cancer, familial, susceptibility to, 1. Last evaluated: 2023-05-05. Review status: no assertion criteria provided. Collection method: clinical testing. Allele origin: germline. Affected: yes. Not counted in ClinVar's aggregate classification.
Comment: We detected an in-frame deletion in the BRCA1 gene (c.3328_3330delAAG) which results in the deletion of the amino acid lysine at position 1110. This mutation is considered as a variant of unknown significance.